The following is an entry in ClinVar:

NM_016333.4(SRRM2):c.7130G>A (p.Gly2377Asp)

Gene: SRRM2 (serine/arginine repetitive matrix 2; plus strand). Cytogenetic location: 16p13.3.
Variant type: single nucleotide variant.
Coding change: c.7130G>A on transcript NM_016333.4 (MANE Select); coding-DNA position 7130, G replaced by A.
Protein change: p.Gly2377Asp; replaces glycine 2377 with aspartic acid.
Molecular consequence: missense variant.
Genome position (GRCh38, 1-based): chr16:2,767,658, G>A. VCF-style: chr16-2767658-G-A. GRCh37 (hg19) VCF-style: chr16-2817659-G-A.
Other names: short protein forms G2377D.
Identifiers: ClinVar variation 3391801 (VCV003391801.2).
Genomic context (GRCh38, chr16:2,767,658, plus strand): 5'-CCGCCGCAGCCTTGGCCCCCGCGAGCCTCACCAGTGCTAGGATGGCTCCAGCATTGTCTG[G>A]TGCAAACCTCACCAGCCCCAGGGTGCCCCTTTCTGCCTACGAGCGTGTCAGTGGCAGAAC-3'
Protein context (NP_057417.3, residues 2367-2387): TSARMAPALS[Gly2377Asp]ANLTSPRVPL

ClinVar aggregate classification (germline): Uncertain significance (1 of 4 stars; one submission).

Submission:

GeneDx
Classification: Uncertain significance. Last evaluated: 2025-08-20. Review status: criteria provided, single submitter. Criteria: GeneDx Variant Classification Process June 2021. Collection method: clinical testing. Allele origin: germline.
Comment: Not observed at significant frequency in large population cohorts (gnomAD); In silico analysis suggests that this missense variant does not alter protein structure/function; Has not been previously published as pathogenic or benign to our knowledge